The following is an entry in ClinVar:

NM_007294.4(BRCA1):c.3546_3548del (p.Lys1183del)

Genes: BRCA1 (BRCA1 DNA repair associated; minus strand), LOC126862571 (BRD4-independent group 4 enhancer GRCh37_chr17:41243136-41244335; plus strand). Cytogenetic location: 17q21.31.
Variant type: Deletion.
Coding change: c.3546_3548del on transcript NM_007294.4 (MANE Select); coding-DNA positions 3546 to 3548, 3 bases deleted (GAA; older notation c.3546_3548delGAA).
Protein change: p.Lys1183del; deletes lysine 1183.
Molecular consequence: inframe deletion. On other transcripts: intron variant (135).
Genome position (GRCh38, 1-based): chr17:43,091,983-43,091,985, TTC deleted on the plus strand (GAA on the coding strand, the reverse complement: BRCA1 is on the minus strand); deleting any 3 consecutive bases within chr17:43,091,983-43,091,986 gives the same sequence; the c. name uses the placement nearest the transcript's 3' end. VCF-style (leftmost placement, unchanged base first): chr17-43091982-TTTC-T. GRCh37 (hg19) VCF-style: chr17-41243999-TTTC-T.
Other names: c.3282_3284del, p.Lys1095del (NM_001407923.1, NM_001407924.1, NM_001407925.1 and 9 more transcripts); c.3279_3281del, p.Lys1094del (NM_001407930.1, NM_001407931.1, NM_001407932.1 and 2 more transcripts); c.3423_3425del, p.Lys1142del (NM_001407937.1, NM_001407938.1, NM_001407939.1 and 19 more transcripts); c.3420_3422del, p.Lys1141del (NM_001407940.1, NM_001407941.1, NM_001407649.1 and 11 more transcripts); c.3405_3407del, p.Lys1136del (NM_001407942.1, NM_001407944.1, NM_001407945.1 and 29 more transcripts); c.3402_3404del, p.Lys1135del (NM_001407943.1, NM_001407964.1, NM_001407740.1 and 20 more transcripts); c.3213_3215del, p.Lys1072del (NM_001407946.1, NM_001407947.1, NM_001407948.1 and 6 more transcripts); c.3210_3212del, p.Lys1071del (NM_001407954.1, NM_001407955.1, NM_001407956.1 and 1 more transcripts); and 41 more; short protein forms K1094del, K1095del, K1135del, K1142del, K1182del, K1112del, K1113del, K1156del.
Identifiers: ClinVar variation 2837926 (VCV002837926.3), dbSNP rs2552145425, ClinGen allele CA2739265622.

ClinVar aggregate classification (germline): Uncertain significance (1 of 4 stars; one submission).

Conditions:
Hereditary breast ovarian cancer syndrome. Also called: Hereditary breast and ovarian cancer syndrome (HBOC); Breast and ovarian cancer; BRCA1- and BRCA2-Associated Hereditary Breast and Ovarian Cancer; Hereditary breast and ovarian cancer syndrome; Hereditary breast and ovarian cancer; Hereditary breast and/or ovarian cancer syndrome. Identifiers: Orphanet 145, MedGen C0677776, MeSH D061325, MONDO:0003582. Disease mechanism: loss of function.

Submission:

Labcorp Genetics (formerly Invitae), Labcorp
Classification: Uncertain significance for Hereditary breast ovarian cancer syndrome. Last evaluated: 2023-02-16. Review status: criteria provided, single submitter. Criteria: Invitae Variant Classification Sherloc (09022015). Collection method: clinical testing. Allele origin: germline.
Comment: In summary, the available evidence is currently insufficient to determine the role of this variant in disease. Therefore, it has been classified as a Variant of Uncertain Significance. Experimental studies and prediction algorithms are not available or were not evaluated, and the functional significance of this variant is currently unknown. This variant has not been reported in the literature in individuals affected with BRCA1-related conditions. This variant is not present in population databases (gnomAD no frequency). This variant, c.3546_3548del, results in the deletion of 1 amino acid(s) of the BRCA1 protein (p.Lys1183del), but otherwise preserves the integrity of the reading frame.